The following is an entry in ClinVar:

ClinVar aggregate classification (germline): Uncertain significance. Review status: criteria provided, multiple submitters, no conflicts (2 of 4 stars). 2 submissions from 2 submitters: Uncertain significance (2). Last evaluated 2025-03-07.

Conditions:
Inborn genetic diseases. Identifiers: MedGen C0950123, MeSH D030342.

Allele frequency attached by ClinVar (database versions not stated): gnomAD 0.00001 and 0.00005; gnomAD exomes 0.00016; ExAC 0.00017; 1000 Genomes Project 30x 0.00031; 1000 Genomes Project 0.00040.
gnomAD v4.1: 138 of 1,614,106 alleles (0.0085%); highest among the groups gnomAD compares: South Asian, 0.11%; 1 homozygote.

Submissions (2):

Ambry Genetics
Classification: Uncertain significance for Inborn genetic diseases. Last evaluated: 2025-03-07. Review status: criteria provided, single submitter. Criteria: Ambry Variant Classification Scheme 2023. Collection method: clinical testing. Allele origin: germline.

Labcorp Genetics (formerly Invitae), Labcorp
Classification: Uncertain significance. Last evaluated: 2021-06-06. Review status: criteria provided, single submitter. Criteria: Invitae Variant Classification Sherloc (09022015). Collection method: clinical testing. Allele origin: germline.
Comment: This sequence change replaces arginine with tryptophan at codon 30 of the TMEM94 protein (p.Arg30Trp). The arginine residue is weakly conserved and there is a moderate physicochemical difference between arginine and tryptophan. This variant is present in population databases (rs548664808, ExAC 0.1%). This variant has not been reported in the literature in individuals with TMEM94-related conditions. Algorithms developed to predict the effect of missense changes on protein structure and function output the following: SIFT: "Not Available"; PolyPhen-2: "Benign"; Align-GVGD: "Not Available". The tryptophan amino acid residue is found in multiple mammalian species, suggesting that this missense change does not adversely affect protein function. These predictions have not been confirmed by published functional studies and their clinical significance is uncertain. In summary, the available evidence is currently insufficient to determine the role of this variant in disease. Therefore, it has been classified as a Variant of Uncertain Significance.

NM_014738.6(TMEM94):c.58C>T (p.Arg20Trp)

Gene: TMEM94 (transmembrane protein 94; plus strand). Cytogenetic location: 17q25.1.
Variant type: single nucleotide variant.
Coding change: c.58C>T on transcript NM_014738.6 (MANE Select); coding-DNA position 58, C replaced by T.
Protein change: p.Arg20Trp; replaces arginine 20 with tryptophan.
Molecular consequence: missense variant.
Genome position (GRCh38, 1-based): chr17:75,485,461, C>T. VCF-style: chr17-75485461-C-T. GRCh37 (hg19) VCF-style: chr17-73481542-C-T.
Other names: c.58C>T (NM_014738.4); c.88C>T, p.Arg30Trp (NM_001321148.2, NM_001351203.2); c.58C>T, p.Arg20Trp (NM_001321149.2, NM_001351202.2); short protein forms R20W, R30W.
Identifiers: ClinVar variation 1383934 (VCV001383934.8), dbSNP rs548664808, ClinGen allele CA8761316.